The following is an entry in ClinVar:

NM_198252.3(GSN):c.1588-5C>T

Gene: GSN (gelsolin; plus strand). Cytogenetic location: 9q33.2.
Variant type: single nucleotide variant.
Coding change: c.1588-5C>T on transcript NM_198252.3 (MANE Select); 5 bases into the intron before coding-DNA position 1588, C replaced by T.
Molecular consequence: intron variant.
Genome position (GRCh38, 1-based): chr9:121,327,303, C>T. VCF-style: chr9-121327303-C-T. GRCh37 (hg19) VCF-style: chr9-124089581-C-T.
Other names: c.1588-5C>T (NM_001353054.1, NM_001353053.1, NM_001353060.2 and 10 more transcripts); c.1621-5C>T (NM_001353064.2, NM_001353066.2, NM_001353073.2 and 13 more transcripts); c.1696-5C>T (NM_001127663.2); c.1660-5C>T (NM_001353076.2); c.934-5C>T (NM_001353078.2); c.1639-5C>T (NM_001258029.2); c.1612-5C>T (NM_001258030.2); c.1741-5C>T (NM_000177.5, NM_000177.4).
Identifiers: ClinVar variation 1617420 (VCV001617420.11), dbSNP rs374445066, ClinGen allele CA5221360.
Genomic context (GRCh38, chr9:121,327,303, plus strand): 5'-GGCTGTGAGGAGGGGGCTGAGGGCTTTTTGTCTGGTTCCTGATTAACCAAGCTGTACCCT[C>T]CCAGGTATTGCCTAAGGCTGGTGCACTGAACTCCAACGATGCCTTTGTTCTGAAAACCCC-3'

ClinVar aggregate classification (germline): Conflicting classifications of pathogenicity. Review status: criteria provided, conflicting classifications (1 of 4 stars). 4 submissions from 4 submitters: Uncertain significance (2); Likely benign (2). Last evaluated 2025-04-08.

Conditions:
GSN-related disorder. Also called: GSN-related condition.
Finnish type amyloidosis. Also called: AMYLOID CRANIAL NEUROPATHY WITH LATTICE CORNEAL DYSTROPHY; AMYLOIDOSIS DUE TO MUTANT GELSOLIN; AMYLOIDOSIS, HEREDITARY SYSTEMIC 4, FINNISH TYPE; Lattice corneal dystrophy associated with familial systemic amyloidosis; Meretoja's syndrome; Lattice dystrophy of the cornea with hereditary generalized amyloidosis. Identifiers: Orphanet 85448, MedGen C1622345, MONDO:0007097, OMIM 105120.
Inborn genetic diseases. Identifiers: MedGen C0950123, MeSH D030342.

Allele frequency attached by ClinVar (database versions not stated): gnomAD exomes below 0.00001 and 0.00001; ExAC 0.00001; TOPMed 0.00002; gnomAD 0.00003; ESP Exome Variant Server 0.00008.
gnomAD v4.1: 19 of 1,612,962 alleles (0.0012%); highest among the groups gnomAD compares: Non-Finnish European, 0.0016%; no homozygotes.

Submissions (4):

PreventionGenetics, part of Exact Sciences
Classification: Likely benign for GSN-related condition. Last evaluated: 2025-04-08. Review status: criteria provided, single submitter. Criteria: ACMG Guidelines, 2015. Collection method: clinical testing. Allele origin: germline.
Comment: This variant is classified as likely benign based on ACMG/AMP sequence variant interpretation guidelines (Richards et al. 2015 PMID: 25741868, with internal and published modifications).

Fulgent Genetics
Classification: Uncertain significance for Finnish type amyloidosis. Last evaluated: 2024-06-15. Review status: criteria provided, single submitter. Criteria: ACMG Guidelines, 2015. Collection method: clinical testing. Allele origin: germline.

Labcorp Genetics (formerly Invitae), Labcorp
Classification: Likely benign. Last evaluated: 2024-06-12. Review status: criteria provided, single submitter. Criteria: Invitae Variant Classification Sherloc (09022015). Collection method: clinical testing. Allele origin: germline.

Ambry Genetics
Classification: Uncertain significance for Inborn genetic diseases. Last evaluated: 2023-12-15. Review status: criteria provided, single submitter. Criteria: Ambry Variant Classification Scheme 2023. Collection method: clinical testing. Allele origin: germline.
Comment: The c.1741-5C>T intronic alteration consists of a C to T substitution 5 nucleotides before coding exon 13 in the GSN gene. Based on insufficient or conflicting evidence, the clinical significance of this alteration remains unclear.